The following is an entry in ClinVar:

NM_003072.5(SMARCA4):c.1448C>G (p.Ala483Gly)

Gene: SMARCA4 (SWI/SNF related BAF chromatin remodeling complex subunit ATPase 4; plus strand). Cytogenetic location: 19p13.2.
Variant type: single nucleotide variant.
Coding change: c.1448C>G on transcript NM_003072.5 (MANE Select); coding-DNA position 1448, C replaced by G.
Protein change: p.Ala483Gly; replaces alanine 483 with glycine.
Molecular consequence: missense variant. On other transcripts: non-coding transcript variant (1).
Genome position (GRCh38, 1-based): chr19:10,994,856, C>G. VCF-style: chr19-10994856-C-G. GRCh37 (hg19) VCF-style: chr19-11105532-C-G.
Other names: c.1448C>G, p.Ala483Gly (NM_001128849.3, NM_001374457.1, NM_001128844.3 and 4 more transcripts); short protein forms A483G.
Identifiers: ClinVar variation 819243 (VCV000819243.4), dbSNP rs1600067706, ClinGen allele CA404062005.
Genomic context (GRCh38, chr19:10,994,856, plus strand): 5'-GGGTCAGCCTTCTCTTTTGTGCTTTCCTGCAGGAATACCTCAATAGCATTCTCCAGCATG[C>G]CAAGGATTTCAAGGAATATCACAGATCCGTCACAGGCAAAATCCAGAAGCTGACCAAGGC-3'
Protein context (NP_003063.2, residues 473-493): QEYLNSILQH[Ala483Gly]KDFKEYHRSV

ClinVar aggregate classification (germline): Uncertain significance (1 of 4 stars; one submission).

Conditions:
Hereditary cancer-predisposing syndrome. Also called: Tumor predisposition; Hereditary neoplastic syndrome; Neoplastic Syndromes, Hereditary; Hereditary Cancer Syndrome. Identifiers: Orphanet 140162, MedGen C0027672, MeSH D009386, MONDO:0015356.

Submission:

Ambry Genetics
Classification: Uncertain significance for Hereditary cancer-predisposing syndrome. Last evaluated: 2019-01-24. Review status: criteria provided, single submitter. Criteria: Ambry Variant Classification Scheme 2023. Collection method: clinical testing. Allele origin: germline.
Comment: The p.A483G variant (also known as c.1448C>G), located in coding exon 8 of the SMARCA4 gene, results from a C to G substitution at nucleotide position 1448. The alanine at codon 483 is replaced by glycine, an amino acid with similar properties. This amino acid position is highly conserved in available vertebrate species. In addition, this alteration is predicted to be tolerated by in silico analysis. Since supporting evidence is limited at this time, the clinical significance of this alteration remains unclear.